The following is an entry in ClinVar:

ClinVar aggregate classification (germline): Likely benign. Review status: criteria provided, multiple submitters, no conflicts (2 of 4 stars). 3 submissions from 3 submitters: Likely benign (2). 1 of the submissions does not count toward it. Last evaluated 2025-02-03.

Conditions:
SPINT2-related disorder. Also called: SPINT2-related condition.

Allele frequency attached by ClinVar (database versions not stated): gnomAD 0.00003; gnomAD exomes 0.00007; ExAC 0.00011.
gnomAD v4.1: 92 of 1,614,050 alleles (0.0057%); highest among the groups gnomAD compares: South Asian, 0.093%; 1 homozygote.

Submissions (3):

Labcorp Genetics (formerly Invitae), Labcorp
Classification: Likely benign. Last evaluated: 2025-02-03. Review status: criteria provided, single submitter. Criteria: Invitae Variant Classification Sherloc (09022015). Collection method: clinical testing. Allele origin: germline.

Breakthrough Genomics
Classification: Likely benign. Review status: criteria provided, single submitter. Criteria: ACMG Guidelines, 2015. Collection method: not provided. Allele origin: germline. Inheritance: Autosomal recessive inheritance. Affected: yes.

PreventionGenetics, part of Exact Sciences
Classification: Likely benign for SPINT2-related condition. Last evaluated: 2023-08-24. Review status: no assertion criteria provided. Collection method: clinical testing. Allele origin: germline. Not counted in ClinVar's aggregate classification.
Comment: This variant is classified as likely benign based on ACMG/AMP sequence variant interpretation guidelines (Richards et al. 2015 PMID: 25741868, with internal and published modifications).

NM_021102.4(SPINT2):c.129G>A (p.Val43=)

Gene: SPINT2 (serine peptidase inhibitor, Kunitz type 2; plus strand). Cytogenetic location: 19q13.2.
Variant type: single nucleotide variant.
Coding change: c.129G>A on transcript NM_021102.4 (MANE Select); coding-DNA position 129, G replaced by A.
Protein change: p.Val43=; no amino-acid change (valine 43 retained).
Molecular consequence: synonymous variant. On other transcripts: intron variant (1).
Genome position (GRCh38, 1-based): chr19:38,283,649, G>A. VCF-style: chr19-38283649-G-A. GRCh37 (hg19) VCF-style: chr19-38774289-G-A.
Other names: c.107-4227G>A (NM_001166103.2); c.129G>A (NM_021102.3).
Identifiers: ClinVar variation 1666803 (VCV001666803.11), dbSNP rs777327266, ClinGen allele CA9411325.